The following is an entry in ClinVar:

ClinVar aggregate classification (germline): Uncertain significance. Review status: criteria provided, multiple submitters, no conflicts (2 of 4 stars). 2 submissions from 2 submitters: Uncertain significance (2). Last evaluated 2022-09-06.

Conditions:
Joubert syndrome 23 (JBTS23). Identifiers: Orphanet 475, MedGen C4084822, MONDO:0014664, OMIM 616490.
Short-rib thoracic dysplasia 14 with polydactyly (SRTD14). Identifiers: Orphanet 397715, MedGen C4225286, MONDO:0014688, OMIM 616546.

Allele frequency attached by ClinVar (database versions not stated): gnomAD exomes below 0.00001 and 0.00002; gnomAD 0.00001 and 0.00002; ExAC 0.00002; TOPMed 0.00003; 1000 Genomes Project 30x 0.00016; 1000 Genomes Project 0.00020.

Submissions (2):

Labcorp Genetics (formerly Invitae), Labcorp
Classification: Uncertain significance for Joubert syndrome 23; Short-rib thoracic dysplasia 14 with polydactyly. Last evaluated: 2022-09-06. Review status: criteria provided, single submitter. Criteria: Invitae Variant Classification Sherloc (09022015). Collection method: clinical testing. Allele origin: germline.
Comment: This sequence change replaces lysine, which is basic and polar, with asparagine, which is neutral and polar, at codon 1203 of the KIAA0586 protein (p.Lys1203Asn). This variant is present in population databases (rs199517530, gnomAD 0.02%). This variant has not been reported in the literature in individuals affected with KIAA0586-related conditions. ClinVar contains an entry for this variant (Variation ID: 1314712). Algorithms developed to predict the effect of missense changes on protein structure and function (SIFT, PolyPhen-2, Align-GVGD) all suggest that this variant is likely to be tolerated. In summary, the available evidence is currently insufficient to determine the role of this variant in disease. Therefore, it has been classified as a Variant of Uncertain Significance.

GeneDx
Classification: Uncertain significance. Last evaluated: 2021-04-06. Review status: criteria provided, single submitter. Criteria: GeneDx Variant Classification Process June 2021. Collection method: clinical testing. Allele origin: germline. Affected: yes.
Comment: In silico analysis supports that this missense variant does not alter protein structure/function; Has not been previously published as pathogenic or benign to our knowledge; In-silico analysis is inconclusive as to whether the variant alters gene splicing. In the absence of RNA/functional studies, the actual effect of this sequence change is unknown.

NM_001329943.3(KIAA0586):c.3450G>C (p.Lys1150Asn)

Gene: KIAA0586 (KIAA0586; plus strand). Cytogenetic location: 14q23.1.
Variant type: single nucleotide variant.
Coding change: c.3450G>C on transcript NM_001329943.3 (MANE Select); coding-DNA position 3450, G replaced by C.
Protein change: p.Lys1150Asn; replaces lysine 1150 with asparagine.
Molecular consequence: missense variant.
Genome position (GRCh38, 1-based): chr14:58,488,032, G>C. VCF-style: chr14-58488032-G-C. GRCh37 (hg19) VCF-style: chr14-58954750-G-C.
Other names: c.3609G>C, p.Lys1203Asn (NM_001244189.2); c.3405G>C, p.Lys1135Asn (NM_001244190.2); c.3195G>C, p.Lys1065Asn (NM_001244191.2, NM_001329945.2, NM_001364700.1 and 1 more transcripts); c.3318G>C, p.Lys1106Asn (NM_001244192.2); c.3030G>C, p.Lys1010Asn (NM_001244193.2); c.3450G>C, p.Lys1150Asn (NM_001329944.2, NM_001329946.2, NM_001329947.2); c.3222G>C, p.Lys1074Asn (NM_014749.5); short protein forms K1010N, K1065N, K1074N, K1106N, K1135N, K1150N, K1203N.
Identifiers: ClinVar variation 1314712 (VCV001314712.3), dbSNP rs199517530, ClinGen allele CA7206163.